The following is an entry in ClinVar:

ClinVar aggregate classification (germline): Likely pathogenic (1 of 4 stars; one submission).

Conditions:
Mast syndrome. Also called: SPASTIC PARAPLEGIA 21, AUTOSOMAL RECESSIVE. Identifiers: Orphanet 101001, MedGen C1855346, MONDO:0009568, OMIM 248900.

Allele frequency attached by ClinVar (database versions not stated): TOPMed 0.00001; gnomAD 0.00002.
gnomAD v4.1: 25 of 1,604,970 alleles (0.0016%); highest among the groups gnomAD compares: African/African-American, 0.0027%; no homozygotes.

Submission:

Victorian Clinical Genetics Services, Murdoch Childrens Research Institute
Classification: Likely pathogenic for Mast syndrome. Last evaluated: 2023-07-17. Review status: criteria provided, single submitter. Criteria: ACMG Guidelines, 2015. Collection method: clinical testing. Allele origin: germline. Inheritance: Autosomal recessive inheritance.
Comment: Based on the classification scheme VCGS_Germline_v1.3.4, this variant is classified as Likely pathogenic. Following criteria are met: 0102 - Loss of function is a known mechanism of disease in this gene and is associated with Mast syndrome (MIM#248900). (I) 0106 - This gene is associated with autosomal recessive disease. (I) 0210 - Splice site variant proven to affect splicing of the transcript with a known effect on protein sequence. RNA studies performed on blood from this indvidual showed that it resulted in use of a cryptic splice site, leading to the in-frame deletion of two amino acids ((p.(Leu76_Gln77del); Splicing Diagnostics, Kid’s Neuroscience Centre, The Children’s Hospital at Westmead). (SP) 0251 - This variant is heterozygous. (I) 0304 - Variant is present in gnomAD v3 <0.01 for a recessive condition (3 heterozygotes, 0 homozygotes). (SP) 0600 - Variant is located in the annotated abhydrolase domain (DECIPHER). (I) 0705 - No comparable in-frame deletion or canonical splice site variants have previous evidence for pathogenicity. (I) 0807 - This variant has no previous evidence of pathogenicity. (I) 0905 - No published segregation evidence has been identified for this variant. (I) 1007 - No published functional evidence has been identified for this variant. (I) 1201 - Heterozygous variant suspected to be in trans with a second pathogenic heterozygous variant (NM_016630.6(SPG21):c.453-1113_670-1236del) in a recessive disease. These variants were shown to be on different alleles by RNA studies in a research setting, but this has not been confirmed by a clinical laboratory. (I) 1208 - Inheritance information for this variant is not currently available in this individual. (I) Legend: (SP) - Supporting pathogenic, (I) - Information, (SB) - Supporting benign

NM_016630.7(SPG21):c.226-1G>A

Gene: SPG21 (SPG21 abhydrolase domain containing, maspardin; minus strand). Cytogenetic location: 15q22.31.
Variant type: single nucleotide variant.
Coding change: c.226-1G>A on transcript NM_016630.7 (MANE Select); the canonical splice acceptor site of the intron before coding-DNA position 226, G replaced by A.
Molecular consequence: splice acceptor variant. On other transcripts: intron variant (1).
Genome position (GRCh38, 1-based): chr15:64,976,556, C>T on the plus strand (G>A on the coding strand, the complement: SPG21 is on the minus strand). VCF-style: chr15-64976556-C-T. GRCh37 (hg19) VCF-style: chr15-65268894-C-T.
Other names: c.226-1809G>A (NM_001127890.5); c.226-1G>A (NM_001127889.5).
Identifiers: ClinVar variation 1805260 (VCV001805260.2), dbSNP rs1386151123, ClinGen allele CA392872457.
Genomic context (GRCh38, chr15:64,976,556, plus strand): 5'-TAAAAGTTTTCTGAATCCATCACAGAACTCGAGATGGTCCCAATAAACTGGATACTGCAA[C>T]TGAAATAATAACGATAATTTTATTTTTAAAAATCATAAAAGTAAAAATGCAACTCACGTA-3'